The following is an entry in ClinVar:

ClinVar aggregate classification (germline): Uncertain significance (1 of 4 stars; one submission).

Conditions:
Zellweger spectrum disorders (ZS). Also called: Zellweger Spectrum Disorder; Zellweger Spectrum; Zellweger Spectrum Disorder (ZSD); Zellweger syndrome. Identifiers: Orphanet 912, MedGen C0043459, MONDO:0019609.

Allele frequency attached by ClinVar (database versions not stated): gnomAD exomes 0.00001.
gnomAD v4.1: 10 of 1,611,278 alleles (0.00062%); highest among the groups gnomAD compares: Admixed American, 0.0017%; no homozygotes.

Submission:

Labcorp Genetics (formerly Invitae), Labcorp
Classification: Uncertain significance for Zellweger spectrum disorders. Last evaluated: 2021-09-01. Review status: criteria provided, single submitter. Criteria: Invitae Variant Classification Sherloc (09022015). Collection method: clinical testing. Allele origin: germline.
Comment: This sequence change replaces serine with asparagine at codon 554 of the PEX1 protein (p.Ser554Asn). The serine residue is weakly conserved and there is a small physicochemical difference between serine and asparagine. This variant is not present in population databases (ExAC no frequency). This variant has not been reported in the literature in individuals affected with PEX1-related conditions. Advanced modeling of protein sequence and biophysical properties (such as structural, functional, and spatial information, amino acid conservation, physicochemical variation, residue mobility, and thermodynamic stability) performed at Invitae indicates that this missense variant is not expected to disrupt PEX1 protein function. In summary, the available evidence is currently insufficient to determine the role of this variant in disease. Therefore, it has been classified as a Variant of Uncertain Significance.

NM_000466.3(PEX1):c.1661G>A (p.Ser554Asn)

Gene: PEX1 (peroxisomal biogenesis factor 1; minus strand). Cytogenetic location: 7q21.2.
Variant type: single nucleotide variant.
Coding change: c.1661G>A on transcript NM_000466.3 (MANE Select); coding-DNA position 1661, G replaced by A.
Protein change: p.Ser554Asn; replaces serine 554 with asparagine.
Molecular consequence: missense variant.
Genome position (GRCh38, 1-based): chr7:92,509,338, C>T on the plus strand (G>A on the coding strand, the complement: PEX1 is on the minus strand). VCF-style: chr7-92509338-C-T. GRCh37 (hg19) VCF-style: chr7-92138652-C-T.
Other names: c.1661G>A, p.Ser554Asn (NM_001282677.2); c.1037G>A, p.Ser346Asn (NM_001282678.2); short protein forms S346N, S554N.
Identifiers: ClinVar variation 1938177 (VCV001938177.2), dbSNP rs2484681957, ClinGen allele CA368188238.